The following is an entry in ClinVar:

ClinVar aggregate classification (germline): Uncertain significance. Review status: criteria provided, multiple submitters, no conflicts (2 of 4 stars). 3 submissions from 3 submitters: Uncertain significance (3). Last evaluated 2026-01-05.

Conditions:
Tumor predisposition syndrome 3 (TPDS3). Also called: Glioma susceptibility 9; LONG TELOMERE SYNDROME, POT1-RELATED; POT1 Tumor Predisposition; Melanoma, cutaneous malignant, susceptibility to, 10. Identifiers: Orphanet 618, MedGen C4014476, MONDO:0014368, OMIM 615848.
Hereditary cancer-predisposing syndrome. Also called: Tumor predisposition; Hereditary Cancer Syndrome; Hereditary neoplastic syndrome; Neoplastic Syndromes, Hereditary. Identifiers: Orphanet 140162, MedGen C0027672, MeSH D009386, MONDO:0015356.
Pulmonary fibrosis and/or bone marrow failure syndrome, telomere-related, 8 (PFBMFT8). Identifiers: MedGen C5830496, MONDO:0957263, OMIM 620367.
Cerebroretinal microangiopathy with calcifications and cysts 3 (CRMCC3). Identifiers: MedGen C5830497, MONDO:0957264, OMIM 620368.

Allele frequency attached by ClinVar (database versions not stated): gnomAD 0.00001; gnomAD exomes 0.00001.
gnomAD v4.1: 12 of 1,610,300 alleles (0.00075%); highest among the groups gnomAD compares: Middle Eastern, 0.016%; no homozygotes.

Submissions (3):

Labcorp Genetics (formerly Invitae), Labcorp
Classification: Uncertain significance for Tumor predisposition syndrome 3. Last evaluated: 2026-01-05. Review status: criteria provided, single submitter. Criteria: Invitae Variant Classification Sherloc (09022015). Collection method: clinical testing. Allele origin: germline.
Comment: This sequence change replaces arginine, which is basic and polar, with histidine, which is basic and polar, at codon 361 of the POT1 protein (p.Arg361His). The frequency data for this variant in the population databases is considered unreliable, as metrics indicate poor data quality at this position in the gnomAD database. This variant has not been reported in the literature in individuals affected with POT1-related conditions. ClinVar contains an entry for this variant (Variation ID: 822128). Invitae Evidence Modeling of protein sequence and biophysical properties (such as structural, functional, and spatial information, amino acid conservation, physicochemical variation, residue mobility, and thermodynamic stability) indicates that this missense variant is not expected to disrupt POT1 protein function with a negative predictive value of 80%. In summary, the available evidence is currently insufficient to determine the role of this variant in disease. Therefore, it has been classified as a Variant of Uncertain Significance.

Ambry Genetics
Classification: Uncertain significance for Hereditary cancer-predisposing syndrome. Last evaluated: 2024-08-11. Review status: criteria provided, single submitter. Criteria: Ambry Variant Classification Scheme 2023. Collection method: clinical testing. Allele origin: germline.

Fulgent Genetics
Classification: Uncertain significance for Tumor predisposition syndrome 3; Pulmonary fibrosis and/or bone marrow failure syndrome, telomere-related, 8; Cerebroretinal microangiopathy with calcifications and cysts 3. Last evaluated: 2024-03-17. Review status: criteria provided, single submitter. Criteria: ACMG Guidelines, 2015. Collection method: clinical testing. Allele origin: germline.

NM_015450.3(POT1):c.1082G>A (p.Arg361His)

Gene: POT1 (protection of telomeres 1; minus strand). Cytogenetic location: 7q31.33.
Variant type: single nucleotide variant.
Coding change: c.1082G>A on transcript NM_015450.3 (MANE Select); coding-DNA position 1082, G replaced by A.
Protein change: p.Arg361His; replaces arginine 361 with histidine.
Molecular consequence: missense variant. On other transcripts: non-coding transcript variant (3).
Genome position (GRCh38, 1-based): chr7:124,842,888, C>T on the plus strand (G>A on the coding strand, the complement: POT1 is on the minus strand). VCF-style: chr7-124842888-C-T. GRCh37 (hg19) VCF-style: chr7-124482942-C-T.
Other names: c.689G>A, p.Arg230His (NM_001042594.2); short protein forms R230H, R361H.
Identifiers: ClinVar variation 822128 (VCV000822128.16), dbSNP rs778352298, ClinGen allele CA166105673.